The following is an entry in ClinVar:

NM_017617.5(NOTCH1):c.2467+6G>A

Gene: NOTCH1 (notch receptor 1; minus strand). Cytogenetic location: 9q34.3.
Variant type: single nucleotide variant.
Coding change: c.2467+6G>A on transcript NM_017617.5 (MANE Select); 6 bases into the intron after coding-DNA position 2467, G replaced by A.
Molecular consequence: intron variant.
Genome position (GRCh38, 1-based): chr9:136,513,015, C>T on the plus strand (G>A on the coding strand, the complement: NOTCH1 is on the minus strand). VCF-style: chr9-136513015-C-T. GRCh37 (hg19) VCF-style: chr9-139407467-C-T.
Identifiers: ClinVar variation 3705712 (VCV003705712.2).

ClinVar aggregate classification (germline): Uncertain significance (1 of 4 stars; one submission).

Conditions:
Adams-Oliver syndrome 5 (AOS5). Identifiers: Orphanet 974, MedGen C4014970, MONDO:0014459, OMIM 616028.

gnomAD v4.1: 1 of 1,568,512 alleles (0.000064%); no homozygotes.

Submission:

Labcorp Genetics (formerly Invitae), Labcorp
Classification: Uncertain significance for Adams-Oliver syndrome 5. Last evaluated: 2024-02-26. Review status: criteria provided, single submitter. Criteria: Invitae Variant Classification Sherloc (09022015). Collection method: clinical testing. Allele origin: germline.
Comment: This sequence change falls in intron 15 of the NOTCH1 gene. It does not directly change the encoded amino acid sequence of the NOTCH1 protein. It affects a nucleotide within the consensus splice site. This variant is present in population databases (no rsID available, gnomAD 0.0009%). This variant has not been reported in the literature in individuals affected with NOTCH1-related conditions. Variants that disrupt the consensus splice site are a relatively common cause of aberrant splicing (PMID: 17576681, 9536098). Algorithms developed to predict the effect of sequence changes on RNA splicing suggest that this variant is not likely to affect RNA splicing. In summary, the available evidence is currently insufficient to determine the role of this variant in disease. Therefore, it has been classified as a Variant of Uncertain Significance.

Literature cited by the submitters: PubMed 17576681; PubMed 9536098.